The following is an entry in ClinVar:

ClinVar aggregate classification (germline): Uncertain significance (1 of 4 stars; one submission).

Conditions:
TTC21B-related disorder. Also called: TTC21B-related condition; TTC21B-related disorders.

Submission:

PreventionGenetics, part of Exact Sciences
Classification: Uncertain significance for TTC21B-related condition. Last evaluated: 2024-11-15. Review status: criteria provided, single submitter. Criteria: ACMG Guidelines, 2015. Collection method: clinical testing. Allele origin: germline.
Comment: The TTC21B c.646_648delGTT variant is predicted to result in an in-frame deletion (p.Val216del). To our knowledge, this variant has not been reported in the literature or in a large population database (gnomAD), indicating this variant is rare. At this time, the clinical significance of this variant is uncertain due to the absence of conclusive functional and genetic evidence.

NM_024753.5(TTC21B):c.646_648del (p.Val216del)

Genes: TTC21B (tetratricopeptide repeat domain 21B; minus strand), TTC21B-AS1 (TTC21B antisense RNA 1; plus strand). Cytogenetic location: 2q24.3.
Variant type: Deletion.
Coding change: c.646_648del on transcript NM_024753.5 (MANE Select); coding-DNA positions 646 to 648, 3 bases deleted (GTT; older notation c.646_648delGTT).
Protein change: p.Val216del; deletes valine 216.
Molecular consequence: inframe deletion.
Genome position (GRCh38, 1-based): chr2:165,941,089-165,941,091, AAC deleted on the plus strand (GTT on the coding strand, the reverse complement: TTC21B is on the minus strand); deleting any 3 consecutive bases within chr2:165,941,089-165,941,093 gives the same sequence; the c. name uses the placement nearest the transcript's 3' end. VCF-style (leftmost placement, unchanged base first): chr2-165941088-TAAC-T. GRCh37 (hg19) VCF-style: chr2-166797598-TAAC-T.
Other names: short protein forms V216del.
Identifiers: ClinVar variation 4999806 (VCV004999806.1).
Genomic context (GRCh38, chr2:165,941,088, plus strand): 5'-TTTGTGCTGTCTCAACTGTCTGGTCCCAATCCTGCAAGGCTAGTTGTAATTTCATTTTCT[TAAC>T]AAAAGCAGGAAGGAAGCTCGGAAAATTCACGATTATCTGGTTCACAGTCTCCAGGGCACC-3'